The following is an entry in ClinVar:

ClinVar aggregate classification (germline): Likely pathogenic. Review status: criteria provided, single submitter (1 of 4 stars). 2 submissions from 2 submitters: Likely pathogenic (1). 1 of the submissions does not count toward it. Last evaluated 2024-04-25.

Conditions:
Neuronal ceroid lipofuscinosis 3 (CLN3). Identifiers: Orphanet 228346, MedGen C0751383, MONDO:0008767, OMIM 204200.
Juvenile neuronal ceroid lipofuscinosis. Also called: Batten Disease. Identifiers: Orphanet 79264, MedGen CN293564, MONDO:0019262.

Submissions (2):

Natera, Inc.
Classification: Likely pathogenic for Batten Disease. Last evaluated: 2024-04-25. Review status: criteria provided, single submitter. Criteria: Natera Variant Classification Schema (03/2026). Collection method: clinical testing. Allele origin: germline.
Comment: The c.906+5G>A variant in CLN3 is an intronic variant located outside the canonical splice sites. This variant is rare in the general population with a frequency below the threshold expected for the associated phenotype(s). This variant has been observed in one or more individuals affected with the associated recessive disease, as either homozygous or compound heterozygous with a second variant (PMID: 16251196, 20187884). Computational prediction algorithms indicate this variant is likely to affect gene or protein function. Given the available evidence, this variant is classified as Likely Pathogenic.

Juha Muilu Group; Institute for Molecular Medicine Finland (FIMM)
Classification: Likely pathogenic for Juvenile neuronal ceroid lipofuscinosis. Review status: no assertion criteria provided. Collection method: not provided. Allele origin: unknown. Not counted in ClinVar's aggregate classification.
Comment: FinDis database variant: This variant was not found or characterized by our laboratory, data were collected from public sources: see reference
ClinVar note: Converted during submission from probable-pathogenic to Likely pathogenic.

Literature cited by the submitters: PubMed 16251196 (cited by Natera, Inc.); PubMed 20187884 (cited by Natera, Inc.).

NM_001042432.2(CLN3):c.906+5G>A

Gene: CLN3 (CLN3 lysosomal/endosomal transmembrane protein, battenin; minus strand). Cytogenetic location: 16p12.1.
Variant type: single nucleotide variant.
Coding change: c.906+5G>A on transcript NM_001042432.2 (MANE Select); 5 bases into the intron after coding-DNA position 906, G replaced by A.
Molecular consequence: intron variant.
Genome position (GRCh38, 1-based): chr16:28,482,472, C>T on the plus strand (G>A on the coding strand, the complement: CLN3 is on the minus strand). VCF-style: chr16-28482472-C-T. GRCh37 (hg19) VCF-style: chr16-28493793-C-T.
Other names: c.672+5G>A (NM_001286109.2); c.834+5G>A (NM_001286104.2); c.606+5G>A (NM_001286105.2); c.744+5G>A (NM_001286110.2); c.906+5G>A (NM_000086.2).
Identifiers: ClinVar variation 56291 (VCV000056291.3), dbSNP rs386833739, ClinGen allele CA263735.